The following is an entry in ClinVar:

NM_000330.4(RS1):c.184+10C>T

Gene: RS1 (retinoschisin 1; minus strand). Cytogenetic location: Xp22.13.
Variant type: single nucleotide variant.
Coding change: c.184+10C>T on transcript NM_000330.4 (MANE Select); 10 bases into the intron after coding-DNA position 184, C replaced by T.
Molecular consequence: intron variant.
Genome position (GRCh38, 1-based): chrX:18,656,643, G>A on the plus strand (C>T on the coding strand, the complement: RS1 is on the minus strand). VCF-style: chrX-18656643-G-A. GRCh37 (hg19) VCF-style: chrX-18674763-G-A.
Other names: c.184+10C>T (NM_000330.3).
Identifiers: ClinVar variation 1572567 (VCV001572567.9), dbSNP rs747948749, ClinGen allele CA10360797.

ClinVar aggregate classification (germline): Likely benign. Review status: criteria provided, multiple submitters, no conflicts (2 of 4 stars). 2 submissions from 2 submitters: Likely benign (2). Last evaluated 2026-04-06.

Conditions:
RS1-related disorder. Also called: RS1-related condition.

Allele frequency attached by ClinVar (database versions not stated): ExAC 0.00001; gnomAD exomes 0.00001 and 0.00003; TOPMed 0.00001.
gnomAD v4.1: 6 of 1,165,147 alleles (0.00051%); highest among the groups gnomAD compares: Admixed American, 0.013%; no homozygotes.

Submissions (2):

PreventionGenetics, part of Exact Sciences
Classification: Likely benign for RS1-related condition. Last evaluated: 2026-04-06. Review status: criteria provided, single submitter. Criteria: ACMG Guidelines, 2015. Collection method: clinical testing. Allele origin: germline.
Comment: This variant is classified as likely benign based on ACMG/AMP sequence variant interpretation guidelines (Richards et al. 2015 PMID: 25741868, with internal and published modifications).

Labcorp Genetics (formerly Invitae), Labcorp
Classification: Likely benign. Last evaluated: 2025-03-17. Review status: criteria provided, single submitter. Criteria: Invitae Variant Classification Sherloc (09022015). Collection method: clinical testing. Allele origin: germline.